The following is an entry in ClinVar:

NM_018149.7(SMG8):c.174A>G (p.Leu58=)

Gene: SMG8 (SMG8 nonsense mediated mRNA decay factor; plus strand). Cytogenetic location: 17q22.
Variant type: single nucleotide variant.
Coding change: c.174A>G on transcript NM_018149.7 (MANE Select); coding-DNA position 174, A replaced by G.
Protein change: p.Leu58=; no amino-acid change (leucine 58 retained).
Molecular consequence: synonymous variant.
Genome position (GRCh38, 1-based): chr17:59,210,225, A>G. VCF-style: chr17-59210225-A-G. GRCh37 (hg19) VCF-style: chr17-57287586-A-G.
Identifiers: ClinVar variation 2647973 (VCV002647973.24), dbSNP rs148984334, ClinGen allele CA8679411.

ClinVar aggregate classification (germline): Likely benign (1 of 4 stars; one submission).

Allele frequency attached by ClinVar (database versions not stated): gnomAD exomes 0.00002; ExAC 0.00004; ESP Exome Variant Server 0.00008; TOPMed 0.00009; gnomAD 0.00011.
gnomAD v4.1: 41 of 1,608,322 alleles (0.0025%); highest among the groups gnomAD compares: Middle Eastern, 0.033%; no homozygotes.

Submission:

CeGaT Center for Human Genetics Tuebingen
Classification: Likely benign. Last evaluated: 2022-07-01. Review status: criteria provided, single submitter. Criteria: CeGaT Center For Human Genetics Tuebingen Variant Classification Criteria Version 2. Collection method: clinical testing. Allele origin: germline. Affected: yes. Observed: 1 variant allele.
Comment: SMG8: BP4, BP7